The following is an entry in ClinVar:

ClinVar aggregate classification (germline): Uncertain significance (1 of 4 stars; one submission).

Allele frequency attached by ClinVar (database versions not stated): gnomAD 0.00005; TOPMed 0.00007; ExAC 0.00008; ESP Exome Variant Server 0.00008.
gnomAD v4.1: 68 of 1,613,980 alleles (0.0042%); highest among the groups gnomAD compares: Admixed American, 0.0033%; no homozygotes.

Submission:

Labcorp Genetics (formerly Invitae), Labcorp
Classification: Uncertain significance. Last evaluated: 2022-03-27. Review status: criteria provided, single submitter. Criteria: Invitae Variant Classification Sherloc (09022015). Collection method: clinical testing. Allele origin: germline.
Comment: This variant has not been reported in the literature in individuals affected with IL17RD-related conditions. This variant is present in population databases (rs373252570, gnomAD 0.2%), and has an allele count higher than expected for a pathogenic variant. This sequence change replaces arginine, which is basic and polar, with tryptophan, which is neutral and slightly polar, at codon 540 of the IL17RD protein (p.Arg540Trp). Algorithms developed to predict the effect of missense changes on protein structure and function are either unavailable or do not agree on the potential impact of this missense change (SIFT: "Not Available"; PolyPhen-2: "Probably Damaging"; Align-GVGD: "Not Available"). In summary, the available evidence is currently insufficient to determine the role of this variant in disease. Therefore, it has been classified as a Variant of Uncertain Significance.

NM_017563.5(IL17RD):c.1618C>T (p.Arg540Trp)

Genes: IL17RD (interleukin 17 receptor D; minus strand), LOC126806689 (BRD4-independent group 4 enhancer GRCh37_chr3:57131244-57132443; plus strand). Cytogenetic location: 3p14.3.
Variant type: single nucleotide variant.
Coding change: c.1618C>T on transcript NM_017563.5 (MANE Select); coding-DNA position 1618, C replaced by T.
Protein change: p.Arg540Trp; replaces arginine 540 with tryptophan.
Molecular consequence: missense variant.
Genome position (GRCh38, 1-based): chr3:57,098,085, G>A on the plus strand (C>T on the coding strand, the complement: IL17RD is on the minus strand). VCF-style: chr3-57098085-G-A. GRCh37 (hg19) VCF-style: chr3-57132113-G-A.
Other names: c.1618C>T, p.Arg540Trp (NM_001080973.1); c.1186C>T, p.Arg396Trp (NM_001318864.2); short protein forms R396W, R540W.
Identifiers: ClinVar variation 1898202 (VCV001898202.5), dbSNP rs373252570, ClinGen allele CA2462693.